The following is an entry in ClinVar:

ClinVar aggregate classification (germline): Conflicting classifications of pathogenicity. Review status: criteria provided, conflicting classifications (1 of 4 stars). 6 submissions from 6 submitters: Uncertain significance (1); Likely benign (3). 2 of the submissions do not count toward it. Last evaluated 2026-01-19.

Conditions:
Nemaline myopathy 2 (NEM2). Also called: Nemaline myopathy 2, autosomal recessive. Identifiers: MedGen C1850569, MONDO:0009725, OMIM 256030.
NEB-related disorder. Also called: NEB-related condition; NEB-Related Disorders.

Allele frequency attached by ClinVar (database versions not stated): gnomAD 0.00005; TOPMed 0.00007; ESP Exome Variant Server 0.00008; gnomAD exomes 0.00009; ExAC 0.00012; 1000 Genomes Project 0.00040; 1000 Genomes Project 30x 0.00047.
gnomAD v4.1: 135 of 1,613,016 alleles (0.0084%); highest among the groups gnomAD compares: East Asian, 0.02%; no homozygotes.

Submissions (6):

Labcorp Genetics (formerly Invitae), Labcorp
Classification: Likely benign for Nemaline myopathy 2. Last evaluated: 2026-01-19. Review status: criteria provided, single submitter. Criteria: Invitae Variant Classification Sherloc (09022015). Collection method: clinical testing. Allele origin: germline.

Blueprint Genetics
Classification: Likely benign. Last evaluated: 2024-10-21. Review status: criteria provided, single submitter. Criteria: ACMG Guidelines, 2015. Collection method: clinical testing. Allele origin: germline.

CeGaT Center for Human Genetics Tuebingen
Classification: Likely benign. Last evaluated: 2023-01-01. Review status: criteria provided, single submitter. Criteria: CeGaT Center For Human Genetics Tuebingen Variant Classification Criteria Version 2. Collection method: clinical testing. Allele origin: germline. Affected: yes. Observed: 1 variant allele.
Comment: NEB: BP4, BP7

Illumina Laboratory Services, Illumina
Classification: Uncertain significance for Nemaline myopathy 2. Last evaluated: 2018-01-13. Review status: criteria provided, single submitter. Criteria: ICSL Variant Classification Criteria 13 December 2019. Collection method: clinical testing. Allele origin: germline.

Natera, Inc.
Classification: Uncertain significance for Nemaline myopathy type 2. Last evaluated: 2020-01-17. Review status: no assertion criteria provided. Collection method: clinical testing. Allele origin: germline. Not counted in ClinVar's aggregate classification.

PreventionGenetics, part of Exact Sciences
Classification: Likely benign for NEB-related condition. Last evaluated: 2019-08-01. Review status: no assertion criteria provided. Collection method: clinical testing. Allele origin: germline. Not counted in ClinVar's aggregate classification.
Comment: This variant is classified as likely benign based on ACMG/AMP sequence variant interpretation guidelines (Richards et al. 2015 PMID: 25741868, with internal and published modifications).

NM_001164508.2(NEB):c.2739C>T (p.Ser913=)

Gene: NEB (nebulin; minus strand). Cytogenetic location: 2q23.3.
Variant type: single nucleotide variant.
Coding change: c.2739C>T on transcript NM_001164508.2 (MANE Select); coding-DNA position 2739, C replaced by T.
Protein change: p.Ser913=; no amino-acid change (serine 913 retained).
Molecular consequence: synonymous variant.
Genome position (GRCh38, 1-based): chr2:151,684,874, G>A on the plus strand (C>T on the coding strand, the complement: NEB is on the minus strand). VCF-style: chr2-151684874-G-A. GRCh37 (hg19) VCF-style: chr2-152541388-G-A.
Other names: c.2739C>T, p.Ser913= (NM_001164507.2, NM_001271208.2, NM_004543.5).
Identifiers: ClinVar variation 331525 (VCV000331525.44), dbSNP rs185674525, ClinGen allele CA1911138.